The following is an entry in ClinVar:

NM_003562.5(SLC25A11):c.76C>G (p.Leu26Val)

Gene: SLC25A11 (solute carrier family 25 member 11; minus strand). Cytogenetic location: 17p13.2.
Variant type: single nucleotide variant.
Coding change: c.76C>G on transcript NM_003562.5 (MANE Select); coding-DNA position 76, C replaced by G.
Protein change: p.Leu26Val; replaces leucine 26 with valine.
Molecular consequence: missense variant. On other transcripts: intron variant (1).
Genome position (GRCh38, 1-based): chr17:4,939,835, G>C on the plus strand (C>G on the coding strand, the complement: SLC25A11 is on the minus strand). VCF-style: chr17-4939835-G-C. GRCh37 (hg19) VCF-style: chr17-4843130-G-C.
Other names: c.76C>G, p.Leu26Val (NM_001165418.2); c.62+14C>G (NM_001165417.2); short protein forms L26V.
Identifiers: ClinVar variation 4706896 (VCV004706896.1).

ClinVar aggregate classification (germline): Uncertain significance (1 of 4 stars; one submission).

gnomAD v4.1: 25 of 1,612,670 alleles (0.0016%); highest among the groups gnomAD compares: Admixed American, 0.01%; no homozygotes.

Submission:

Labcorp Genetics (formerly Invitae), Labcorp
Classification: Uncertain significance. Last evaluated: 2025-10-27. Review status: criteria provided, single submitter. Criteria: Invitae Variant Classification Sherloc (09022015). Collection method: clinical testing. Allele origin: germline.
Comment: This sequence change replaces leucine, which is neutral and non-polar, with valine, which is neutral and non-polar, at codon 26 of the SLC25A11 protein (p.Leu26Val). This variant is present in population databases (rs534032773, gnomAD 0.009%). This variant has not been reported in the literature in individuals affected with SLC25A11-related conditions. Invitae Evidence Modeling of protein sequence and biophysical properties (such as structural, functional, and spatial information, amino acid conservation, physicochemical variation, residue mobility, and thermodynamic stability) indicates that this missense variant is not expected to disrupt SLC25A11 protein function with a negative predictive value of 80%. In summary, the available evidence is currently insufficient to determine the role of this variant in disease. Therefore, it has been classified as a Variant of Uncertain Significance.